The following is an entry in ClinVar:

ClinVar aggregate classification (germline): Likely pathogenic (1 of 4 stars; one submission).

Submission:

Labcorp Genetics (formerly Invitae), Labcorp
Classification: Likely pathogenic. Last evaluated: 2019-02-25. Review status: criteria provided, single submitter. Criteria: Invitae Variant Classification Sherloc (09022015). Collection method: clinical testing. Allele origin: germline.
Comment: This variant results in a copy number gain of the genomic region encompassing exon 5 of the TCIRG1 gene. While the exact position of this variant cannot be determined from this data, sub-genic copy number gains are generally in tandem (PMID: 25640679) and may result in an absent or disrupted protein product. This variant has not been reported in the literature in individuals with TCIRG1-related conditions. Loss-of-function variants in TCIRG1 are known to be pathogenic (PMID: 10888887, 10942435, 11532986, 19448635). In summary, the currently available evidence indicates that the variant is pathogenic, but additional data are needed to prove that conclusively. Therefore, this variant has been classified as Likely Pathogenic.

NM_006019.4(TCIRG1):c.418-9_503+11dup

Gene: TCIRG1 (T cell immune regulator 1, ATPase H+ transporting V0 subunit a3; plus strand). Cytogenetic location: 11q13.2.
Variant type: Duplication.
Coding change: c.418-9_503+11dup on transcript NM_006019.4 (MANE Select); 9 bases into the intron before coding-DNA position 418 through 11 bases into the intron after coding-DNA position 503, 106 bases duplicated.
Molecular consequence: splice acceptor variant, splice donor variant.
Genome position (GRCh38, 1-based): chr11:68,042,937-68,043,042, 106 bases duplicated. GRCh37 (hg19): chr11:67,810,404-67,810,509.
Other names: c.-832-9_-736dup (NM_001351059.2).
Identifiers: ClinVar variation 664264 (VCV000664264.2), dbSNP rs1590803008, ClinGen allele CA915948224.